The following is an entry in ClinVar:

ClinVar aggregate classification (germline): Uncertain significance (1 of 4 stars; one submission).

Allele frequency attached by ClinVar (database versions not stated): gnomAD exomes below 0.00001; TOPMed below 0.00001; ExAC 0.00001; gnomAD 0.00001.
gnomAD v4.1: 5 of 1,612,370 alleles (0.00031%); highest among the groups gnomAD compares: Non-Finnish European, 0.00042%; no homozygotes.

Submission:

Labcorp Genetics (formerly Invitae), Labcorp
Classification: Uncertain significance. Last evaluated: 2022-03-28. Review status: criteria provided, single submitter. Criteria: Invitae Variant Classification Sherloc (09022015). Collection method: clinical testing. Allele origin: germline.
Comment: This sequence change replaces proline, which is neutral and non-polar, with alanine, which is neutral and non-polar, at codon 155 of the SCO2 protein (p.Pro155Ala). This variant is present in population databases (rs777864630, gnomAD 0.0009%). This variant has not been reported in the literature in individuals affected with SCO2-related conditions. Algorithms developed to predict the effect of missense changes on protein structure and function (SIFT, PolyPhen-2, Align-GVGD) all suggest that this variant is likely to be tolerated. In summary, the available evidence is currently insufficient to determine the role of this variant in disease. Therefore, it has been classified as a Variant of Uncertain Significance.

NM_005138.3(SCO2):c.463C>G (p.Pro155Ala)

Genes: NCAPH2 (non-SMC condensin II complex subunit H2; plus strand), SCO2 (synthesis of cytochrome C oxidase 2; minus strand). Cytogenetic location: 22q13.33.
Variant type: single nucleotide variant.
Coding change: c.463C>G on transcript NM_005138.3 (MANE Select); coding-DNA position 463, C replaced by G.
Protein change: p.Pro155Ala; replaces proline 155 with alanine.
Molecular consequence: missense variant. On other transcripts: 3 prime UTR variant (2).
Genome position (GRCh38, 1-based): chr22:50,523,949, G>C on the plus strand (C>G on the coding strand, the complement: SCO2 is on the minus strand). VCF-style: chr22-50523949-G-C. GRCh37 (hg19) VCF-style: chr22-50962378-G-C.
Other names: c.*574G>C (NM_001185011.2, NM_152299.4); c.463C>G, p.Pro155Ala (NM_001169109.2, NM_001169110.1, NM_001169111.2); short protein forms P155A.
Identifiers: ClinVar variation 2068999 (VCV002068999.1), dbSNP rs777864630, ClinGen allele CA10321198.
Genomic context (GRCh38, chr22:50,523,949, plus strand): 5'-CAACGTCGTCCCGCTCGGGGTCCACAGTGATGAAGACAGGCTGCACTGGAGGCAAACCAG[G>C]CTCTGCTTCCAGCTGCCGCACCACCTGCACCAGCTTCTCCAGCTCGTCTGGGCAGATGTC-3'
Protein context (NP_005129.2, residues 145-165): VQVVRQLEAE[Pro155Ala]GLPPVQPVFI